The following is an entry in ClinVar:

ClinVar aggregate classification (germline): Uncertain significance (1 of 4 stars; one submission).

Submission:

Labcorp Genetics (formerly Invitae), Labcorp
Classification: Uncertain significance. Last evaluated: 2021-05-31. Review status: criteria provided, single submitter. Criteria: Invitae Variant Classification Sherloc (09022015). Collection method: clinical testing. Allele origin: germline.
Comment: In summary, the available evidence is currently insufficient to determine the role of this variant in disease. Therefore, it has been classified as a Variant of Uncertain Significance. Algorithms developed to predict the effect of missense changes on protein structure and function (SIFT, PolyPhen-2, Align-GVGD) all suggest that this variant is likely to be tolerated, but these predictions have not been confirmed by published functional studies and their clinical significance is uncertain. This variant has not been reported in the literature in individuals with LIFR-related conditions. This variant is not present in population databases (ExAC no frequency). This sequence change replaces histidine with proline at codon 190 of the LIFR protein (p.His190Pro). The histidine residue is weakly conserved and there is a moderate physicochemical difference between histidine and proline.

NM_001127671.2(LIFR):c.569A>C (p.His190Pro)

Gene: LIFR (LIF receptor subunit alpha; minus strand). Cytogenetic location: 5p13.1.
Variant type: single nucleotide variant.
Coding change: c.569A>C on transcript NM_001127671.2 (MANE Select); coding-DNA position 569, A replaced by C.
Protein change: p.His190Pro; replaces histidine 190 with proline.
Molecular consequence: missense variant.
Genome position (GRCh38, 1-based): chr5:38,511,957, T>G on the plus strand (A>C on the coding strand, the complement: LIFR is on the minus strand). VCF-style: chr5-38511957-T-G. GRCh37 (hg19) VCF-style: chr5-38512059-T-G.
Other names: c.569A>C, p.His190Pro (NM_001364297.2, NM_001364298.2, NM_002310.6); short protein forms H190P.
Identifiers: ClinVar variation 1479953 (VCV001479953.8), dbSNP rs1298466429, ClinGen allele CA359548187.
Genomic context (GRCh38, chr5:38,511,957, plus strand): 5'-GGCATATCTGAGGCCCAACTCCAGTGATGAAGTGTATCTTTGCCATTCAGAGTTGTGTTG[T>G]GGGTCACCTAAAAATGAACACAAACACAAAACTGTATTTCCAAGTAGCAATATGTTTTGC-3'
Protein context (NP_001121143.1, residues 180-200): ESMELVKLVT[His190Pro]NTTLNGKDTL